The following is an entry in ClinVar:

ClinVar aggregate classification (germline): Uncertain significance (1 of 4 stars; one submission).

Submission:

GeneDx
Classification: Uncertain significance. Last evaluated: 2025-05-07. Review status: criteria provided, single submitter. Criteria: GeneDx Variant Classification Process June 2021. Collection method: clinical testing. Allele origin: germline. Affected: yes.
Comment: Not observed at significant frequency in large population cohorts (gnomAD); In silico analysis suggests that this missense variant does not alter protein structure/function; Has not been previously published as pathogenic or benign to our knowledge

NM_001385012.1(NBEA):c.1585G>T (p.Ala529Ser)

Gene: NBEA (neurobeachin; plus strand). Cytogenetic location: 13q13.3.
Variant type: single nucleotide variant.
Coding change: c.1585G>T on transcript NM_001385012.1 (MANE Select); coding-DNA position 1585, G replaced by T.
Protein change: p.Ala529Ser; replaces alanine 529 with serine.
Molecular consequence: missense variant.
Genome position (GRCh38, 1-based): chr13:35,098,310, G>T. VCF-style: chr13-35098310-G-T. GRCh37 (hg19) VCF-style: chr13-35672447-G-T.
Other names: c.1585G>T, p.Ala529Ser (NM_001379245.1, NM_015678.5); short protein forms A529S.
Identifiers: ClinVar variation 4527940 (VCV004527940.1).